The following is an entry in ClinVar:

NM_002972.4(SBF1):c.4820_4827del (p.Arg1607fs)

Gene: SBF1 (SET binding factor 1; minus strand). Cytogenetic location: 22q13.33.
Variant type: Deletion.
Coding change: c.4820_4827del on transcript NM_002972.4 (MANE Select); coding-DNA positions 4820 to 4827, 8 bases deleted (GGCCCTAC; older notation c.4820_4827delGGCCCTAC).
Protein change: p.Arg1607fs; shifts the reading frame from arginine 1607.
Molecular consequence: frameshift variant.
Genome position (GRCh38, 1-based): chr22:50,454,728-50,454,735, GTAGGGCC deleted on the plus strand (GGCCCTAC on the coding strand, the reverse complement: SBF1 is on the minus strand); deleting any 8 consecutive bases within chr22:50,454,728-50,454,736 gives the same sequence; the c. name uses the placement nearest the transcript's 3' end. VCF-style (leftmost placement, unchanged base first): chr22-50454727-TGTAGGGCC-T. GRCh37 (hg19) VCF-style: chr22-50893156-TGTAGGGCC-T.
Other names: c.4745_4752del, p.Arg1582fs (NM_001365819.1); c.4823_4830del, p.Arg1608fs (NM_001410794.1); c.4742_4749del, p.Arg1581fs (NM_001410795.1); c.4819_4826delCGGCCCTA, p.Arg1607Glnfs (NM_197971.1); short protein forms R1581fs, R1582fs, R1607fs, R1608fs.
Identifiers: ClinVar variation 2880513 (VCV002880513.3), dbSNP rs2521824187, ClinGen allele CA2739268062.

ClinVar aggregate classification (germline): Pathogenic (1 of 4 stars; one submission).

Submission:

Labcorp Genetics (formerly Invitae), Labcorp
Classification: Pathogenic. Last evaluated: 2024-01-10. Review status: criteria provided, single submitter. Criteria: Invitae Variant Classification Sherloc (09022015). Collection method: clinical testing. Allele origin: germline.
Comment: This sequence change creates a premature translational stop signal (p.Arg1607Glnfs*14) in the SBF1 gene. It is expected to result in an absent or disrupted protein product. Loss-of-function variants in SBF1 are known to be pathogenic (PMID: 28005197, 28902413). This variant is not present in population databases (gnomAD no frequency). This variant has not been reported in the literature in individuals affected with SBF1-related conditions. For these reasons, this variant has been classified as Pathogenic.

Literature cited by the submitters: PubMed 28005197; PubMed 28902413.